The following is an entry in ClinVar:

ClinVar aggregate classification (germline): Conflicting classifications of pathogenicity. Review status: criteria provided, conflicting classifications (1 of 4 stars). 5 submissions from 5 submitters: Uncertain significance (1); Likely benign (4). Last evaluated 2026-02-20.

Conditions:
Aortic aneurysm, familial thoracic 6 (AAT6). Also called: FAMILIAL THORACIC AORTIC ANEURYSM WITH LIVEDO RETICULARIS AND IRIS FLOCCULI. Identifiers: MedGen C2673186, MONDO:0012730, OMIM 611788.
Familial thoracic aortic aneurysm and aortic dissection (TAAD). Also called: Thoracic aortic aneurysms and dissections. Identifiers: Orphanet 91387, MedGen C4707243, MONDO:0019625.

Allele frequency attached by ClinVar (database versions not stated): gnomAD exomes below 0.00001.
gnomAD v4.1: 4 of 1,613,980 alleles (0.00025%); highest among the groups gnomAD compares: South Asian, 0.0011%; no homozygotes.

Submissions (5):

Women's Health and Genetics/Laboratory Corporation of America, LabCorp
Classification: Likely benign. Last evaluated: 2026-02-20. Review status: criteria provided, single submitter. Criteria: LabCorp Variant Classification Summary - May 2015. Collection method: clinical testing. Allele origin: germline.

Labcorp Genetics (formerly Invitae), Labcorp
Classification: Uncertain significance for Aortic aneurysm, familial thoracic 6. Last evaluated: 2025-04-29. Review status: criteria provided, single submitter. Criteria: Invitae Variant Classification Sherloc (09022015). Collection method: clinical testing. Allele origin: germline.
Comment: This sequence change affects codon 363 of the ACTA2 mRNA. It is a 'silent' change, meaning that it does not change the encoded amino acid sequence of the ACTA2 protein. This variant is not present in population databases (gnomAD no frequency). This variant has not been reported in the literature in individuals affected with ACTA2-related conditions. ClinVar contains an entry for this variant (Variation ID: 629607). Algorithms developed to predict the effect of sequence changes on RNA splicing suggest that this variant may create or strengthen a splice site. In summary, the available evidence is currently insufficient to determine the role of this variant in disease. Therefore, it has been classified as a Variant of Uncertain Significance.

Ambry Genetics
Classification: Likely benign for Familial thoracic aortic aneurysm and aortic dissection. Last evaluated: 2023-11-04. Review status: criteria provided, single submitter. Criteria: Ambry Variant Classification Scheme 2023. Collection method: clinical testing. Allele origin: germline.

All of Us Research Program, National Institutes of Health
Classification: Likely benign for Familial thoracic aortic aneurysm and aortic dissection. Last evaluated: 2023-08-15. Review status: criteria provided, single submitter. Criteria: ACMG Guidelines, 2015. Collection method: clinical testing. Allele origin: germline. Inheritance: Autosomal dominant inheritance. Observed: 2 variant alleles, 2 heterozygotes.
Comment: This study involves interpretation of variants in research participants for the purpose of population health screening. Participant phenotype was not available at the time of variant classification. Additional details can be found in publication PMID: 35346344, PMCID: PMC8962531

Color Diagnostics, LLC DBA Color Health
Classification: Likely benign for Familial thoracic aortic aneurysm and aortic dissection. Last evaluated: 2018-10-17. Review status: criteria provided, single submitter. Criteria: ACMG Guidelines, 2015. Collection method: clinical testing. Allele origin: germline.

NM_001613.4(ACTA2):c.1089A>G (p.Glu363=)

Genes: ACTA2 (actin alpha 2, smooth muscle; minus strand), ACTA2-AS1 (ACTA2 antisense RNA 1; plus strand). Cytogenetic location: 10q23.31.
Variant type: single nucleotide variant.
Coding change: c.1089A>G on transcript NM_001613.4 (MANE Select); coding-DNA position 1089, A replaced by G.
Protein change: p.Glu363=; no amino-acid change (glutamic acid 363 retained).
Molecular consequence: synonymous variant. On other transcripts: non-coding transcript variant (1).
Genome position (GRCh38, 1-based): chr10:88,935,268, T>C on the plus strand (A>G on the coding strand, the complement: ACTA2 is on the minus strand). VCF-style: chr10-88935268-T-C. GRCh37 (hg19) VCF-style: chr10-90695025-T-C.
Other names: c.1089A>G, p.Glu363= (NM_001141945.3, NM_001320855.2, NM_001406462.1 and 2 more transcripts); c.978A>G, p.Glu326= (NM_001406466.1); c.960A>G, p.Glu320= (NM_001406467.1, NM_001406468.1, NM_001406469.1); c.897A>G, p.Glu299= (NM_001406471.1).
Identifiers: ClinVar variation 629607 (VCV000629607.8), dbSNP rs1564641128, ClinGen allele CA470729058.